The following is an entry in ClinVar:

NM_003074.4(SMARCC1):c.1319A>G (p.Asp440Gly)

Gene: SMARCC1 (SWI/SNF related BAF chromatin remodeling complex subunit C1; minus strand). Cytogenetic location: 3p21.31.
Variant type: single nucleotide variant.
Coding change: c.1319A>G on transcript NM_003074.4 (MANE Select); coding-DNA position 1319, A replaced by G.
Protein change: p.Asp440Gly; replaces aspartic acid 440 with glycine.
Molecular consequence: missense variant.
Genome position (GRCh38, 1-based): chr3:47,686,115, T>C on the plus strand (A>G on the coding strand, the complement: SMARCC1 is on the minus strand). VCF-style: chr3-47686115-T-C. GRCh37 (hg19) VCF-style: chr3-47727605-T-C.
Other names: short protein forms D440G.
Identifiers: ClinVar variation 5009330 (VCV005009330.1).
Genomic context (GRCh38, chr3:47,686,115, plus strand): 5'-TAATCAAACCATGATGCATAACTAGGAATAATAATGTGATTGGTCTGCTCTGTCACATTA[T>C]CTTCCCCAAGGTCAACTGATCGACTCTGATCACCTTTGGCAGGATCTTCATCTTCCTATA-3'
Protein context (NP_003065.3, residues 430-450): DQSRSVDLGE[Asp440Gly]NVTEQTNHII

ClinVar aggregate classification (germline): Uncertain significance (1 of 4 stars; one submission).

Submission:

GeneDx
Classification: Uncertain significance. Last evaluated: 2026-03-20. Review status: criteria provided, single submitter. Criteria: GeneDx Variant Classification Process June 2021. Collection method: clinical testing. Allele origin: germline.
Comment: Not observed at significant frequency in large population cohorts (gnomAD); In silico analysis supports that this missense variant has a deleterious effect on protein structure/function; In silico analysis supports a deleterious effect on splicing; Has not been previously published as pathogenic or benign to our knowledge